The following is an entry in ClinVar:

ClinVar aggregate classification (germline): Uncertain significance. Review status: criteria provided, multiple submitters, no conflicts (2 of 4 stars). 2 submissions from 2 submitters: Uncertain significance (2). Last evaluated 2024-09-30.

Conditions:
Inborn genetic diseases. Identifiers: MedGen C0950123, MeSH D030342.

Allele frequency attached by ClinVar (database versions not stated): gnomAD 0.00002; TOPMed 0.00004; gnomAD exomes 0.00005; ExAC 0.00007.
gnomAD v4.1: 30 of 1,614,094 alleles (0.0019%); highest among the groups gnomAD compares: Admixed American, 0.05%; no homozygotes.

Submissions (2):

Ambry Genetics
Classification: Uncertain significance for Inborn genetic diseases. Last evaluated: 2024-09-30. Review status: criteria provided, single submitter. Criteria: Ambry Variant Classification Scheme 2023. Collection method: clinical testing. Allele origin: germline.

Labcorp Genetics (formerly Invitae), Labcorp
Classification: Uncertain significance. Last evaluated: 2022-04-12. Review status: criteria provided, single submitter. Criteria: Invitae Variant Classification Sherloc (09022015). Collection method: clinical testing. Allele origin: germline.
Comment: This sequence change replaces serine, which is neutral and polar, with glycine, which is neutral and non-polar, at codon 415 of the PKDCC protein (p.Ser415Gly). This variant is present in population databases (rs761323413, gnomAD 0.07%). This variant has not been reported in the literature in individuals affected with PKDCC-related conditions. Algorithms developed to predict the effect of missense changes on protein structure and function are either unavailable or do not agree on the potential impact of this missense change (SIFT: "Deleterious"; PolyPhen-2: "Benign"; Align-GVGD: "Class C0"). In summary, the available evidence is currently insufficient to determine the role of this variant in disease. Therefore, it has been classified as a Variant of Uncertain Significance.

NM_138370.3(PKDCC):c.1243A>G (p.Ser415Gly)

Gene: PKDCC (protein kinase domain containing, cytoplasmic; plus strand). Cytogenetic location: 2p21.
Variant type: single nucleotide variant.
Coding change: c.1243A>G on transcript NM_138370.3 (MANE Select); coding-DNA position 1243, A replaced by G.
Protein change: p.Ser415Gly; replaces serine 415 with glycine.
Molecular consequence: missense variant.
Genome position (GRCh38, 1-based): chr2:42,057,241, A>G. VCF-style: chr2-42057241-A-G. GRCh37 (hg19) VCF-style: chr2-42284381-A-G.
Other names: short protein forms S415G.
Identifiers: ClinVar variation 2049781 (VCV002049781.3), dbSNP rs761323413, ClinGen allele CA1628203.